The following is an entry in ClinVar:

ClinVar aggregate classification (germline): Likely pathogenic (1 of 4 stars; one submission).

Conditions:
Intellectual developmental disorder, autosomal recessive 27. Also called: Intellectual disability, autosomal recessive 27; Mental retardation, autosomal recessive 27. Identifiers: Orphanet 88616, MedGen C3280538, MONDO:0013702, OMIM 614340.

Allele frequency attached by ClinVar (database versions not stated): gnomAD exomes below 0.00001.
gnomAD v4.1: 1 of 1,612,218 alleles (0.000062%); highest among the groups gnomAD compares: South Asian, 0.0011%; no homozygotes.

Submission:

Women's Health and Genetics/Laboratory Corporation of America, LabCorp
Classification: Likely pathogenic for Intellectual developmental disorder, autosomal recessive 27. Last evaluated: 2023-11-14. Review status: criteria provided, single submitter. Criteria: LabCorp Variant Classification Summary - May 2015. Collection method: clinical testing. Allele origin: germline.
Comment: Variant summary: LINS1 c.631+1G>A is located in a canonical splice-site and is predicted to affect mRNA splicing resulting in a significantly altered protein due to either exon skipping, shortening, or inclusion of intronic material. Three computational tools predict the variant abolishes a canonical 5' splicing donor site. However, these predictions have yet to be confirmed by functional studies. The variant was absent in 250806 control chromosomes (gnomAD). To our knowledge, no occurrence of c.631+1G>A in individuals affected with Intellectual Disability, Autosomal Recessive 27 and no experimental evidence demonstrating its impact on protein function have been reported. No submitters have cited clinical-significance assessments for this variant to ClinVar after 2014. Based on the evidence outlined above, the variant was classified as likely pathogenic.

NM_001040616.3(LINS1):c.631+1G>A

Gene: LINS1 (lines homolog 1; minus strand). Cytogenetic location: 15q26.3.
Variant type: single nucleotide variant.
Coding change: c.631+1G>A on transcript NM_001040616.3 (MANE Select); the canonical splice donor site of the intron after coding-DNA position 631, G replaced by A.
Molecular consequence: splice donor variant.
Genome position (GRCh38, 1-based): chr15:100,574,986, C>T on the plus strand (G>A on the coding strand, the complement: LINS1 is on the minus strand). VCF-style: chr15-100574986-C-T. GRCh37 (hg19) VCF-style: chr15-101115191-C-T.
Other names: c.586+1G>A (NM_001352508.2); c.-117+1G>A (NM_001352507.2).
Identifiers: ClinVar variation 2682503 (VCV002682503.1), dbSNP rs2038074697, ClinGen allele CA393936855.